The following is an entry in ClinVar:

NM_001378454.1(ALMS1):c.280C>A (p.Pro94Thr)

Gene: ALMS1 (ALMS1 centrosome and basal body associated protein; plus strand). Cytogenetic location: 2p13.1.
Variant type: single nucleotide variant.
Coding change: c.280C>A on transcript NM_001378454.1 (MANE Select); coding-DNA position 280, C replaced by A.
Protein change: p.Pro94Thr; replaces proline 94 with threonine.
Molecular consequence: missense variant.
Genome position (GRCh38, 1-based): chr2:73,386,148, C>A. VCF-style: chr2-73386148-C-A. GRCh37 (hg19) VCF-style: chr2-73613276-C-A.
Other names: c.283C>A, p.Pro95Thr (NM_015120.4); short protein forms P95T, P94T.
Identifiers: ClinVar variation 4986130 (VCV004986130.1).

ClinVar aggregate classification (germline): Uncertain significance (1 of 4 stars; one submission).

Conditions:
ALMS1-related disorder. Also called: ALMS1-related condition.

Submission:

PreventionGenetics, part of Exact Sciences
Classification: Uncertain significance for ALMS1-related condition. Last evaluated: 2025-12-31. Review status: criteria provided, single submitter. Criteria: ACMG Guidelines, 2015. Collection method: clinical testing. Allele origin: germline.
Comment: The ALMS1 c.283C>A variant is predicted to result in the amino acid substitution p.Gln95Lys. To our knowledge, this variant has not been reported in the literature. This variant is reported in 0.012% of alleles in individuals of Latino descent in gnomAD. At this time, the clinical significance of this variant is uncertain due to the absence of conclusive functional and genetic evidence.